The following is an entry in ClinVar:

NM_206933.4(USH2A):c.3494_3495del (p.Val1165fs)

Genes: USH2A (usherin; minus strand), USH2A-AS1 (USH2A antisense RNA 1; plus strand). Cytogenetic location: 1q41.
Variant type: Microsatellite.
Coding change: c.3494_3495del on transcript NM_206933.4 (MANE Select); coding-DNA positions 3494 to 3495, 2 bases deleted (TG; older notation c.3494_3495delTG).
Protein change: p.Val1165fs; shifts the reading frame from valine 1165.
Molecular consequence: frameshift variant.
Genome position (GRCh38, 1-based): chr1:216,199,943-216,199,944, CA deleted on the plus strand (TG on the coding strand, the reverse complement: USH2A is on the minus strand); deleting any 2 consecutive bases within chr1:216,199,943-216,199,946 gives the same sequence; the c. name uses the placement nearest the transcript's 3' end. VCF-style (leftmost placement, unchanged base first): chr1-216199942-TCA-T. GRCh37 (hg19) VCF-style: chr1-216373284-TCA-T.
Other names: c.3494_3495del, p.Val1165fs (NM_007123.6); short protein forms V1165fs.
Identifiers: ClinVar variation 550216 (VCV000550216.5), dbSNP rs1553313844, ClinGen allele CA658822784.

ClinVar aggregate classification (germline): Pathogenic. Review status: criteria provided, single submitter (1 of 4 stars). 2 submissions from 2 submitters: Pathogenic (1). 1 of the submissions does not count toward it. Last evaluated 2023-07-19.

Conditions:
Retinitis pigmentosa 39 (RP39). Identifiers: Orphanet 791, MedGen C3151138, MONDO:0013436, OMIM 613809.
Usher syndrome type 2A. Also called: USHER SYNDROME, TYPE IIA; RETINAL DISEASE IN USHER SYNDROME TYPE IIA, MODIFIER OF. Identifiers: Orphanet 231178, Orphanet 886, MedGen C1848634, MONDO:0010169, OMIM 276901.

Submissions (2):

Labcorp Genetics (formerly Invitae), Labcorp
Classification: Pathogenic. Last evaluated: 2023-07-19. Review status: criteria provided, single submitter. Criteria: Invitae Variant Classification Sherloc (09022015). Collection method: clinical testing. Allele origin: germline.
Comment: For these reasons, this variant has been classified as Pathogenic. ClinVar contains an entry for this variant (Variation ID: 550216). This variant has not been reported in the literature in individuals affected with USH2A-related conditions. This variant is not present in population databases (gnomAD no frequency). This sequence change creates a premature translational stop signal (p.Val1165Aspfs*37) in the USH2A gene. It is expected to result in an absent or disrupted protein product. Loss-of-function variants in USH2A are known to be pathogenic (PMID: 10729113, 10909849, 20507924, 25649381).

Counsyl
Classification: Likely pathogenic for Usher syndrome type 2A; Retinitis pigmentosa 39. Last evaluated: 2017-01-04. Review status: no assertion criteria provided. Collection method: clinical testing. Allele origin: unknown. Not counted in ClinVar's aggregate classification.

Literature cited by the submitters: PubMed 10729113 (cited by Labcorp Genetics (formerly Invitae), Labcorp); PubMed 10909849 (cited by Labcorp Genetics (formerly Invitae), Labcorp); PubMed 20507924 (cited by Labcorp Genetics (formerly Invitae), Labcorp); PubMed 25649381 (cited by Labcorp Genetics (formerly Invitae), Labcorp).